The following is an entry in ClinVar:

ClinVar aggregate classification (germline): Uncertain significance (1 of 4 stars; one submission).

Conditions:
Retinitis pigmentosa (RP). Identifiers: Orphanet 791, MedGen C0035334, MeSH D012174, MONDO:0019200, OMIM 268000. Inheritance: Autosomal dominant, autosomal recessive and X linked inheritance.

Submission:

Broad Center for Mendelian Genomics, Broad Institute of MIT and Harvard
Classification: Uncertain significance for Retinitis pigmentosa. Last evaluated: 2021-04-01. Review status: criteria provided, single submitter. Criteria: ACMG Guidelines, 2015. Collection method: curation. Allele origin: germline. Inheritance: Autosomal recessive inheritance. Affected: yes.
Comment: Through a review of available evidence we were able to apply the following criteria: PM2. Based on this evidence we have classified this variant as a Variant of Uncertain Significance. If you have any questions about the classification please reach out to the Pierce Lab.

Literature cited by the submitters: PubMed 34906470.

NM_031885.5(BBS2):c.851A>T (p.Asn284Ile)

Gene: BBS2 (Bardet-Biedl syndrome 2; minus strand). Cytogenetic location: 16q13.
Variant type: single nucleotide variant.
Coding change: c.851A>T on transcript NM_031885.5 (MANE Select); coding-DNA position 851, A replaced by T.
Protein change: p.Asn284Ile; replaces asparagine 284 with isoleucine.
Molecular consequence: missense variant. On other transcripts: non-coding transcript variant (5).
Genome position (GRCh38, 1-based): chr16:56,502,762, T>A on the plus strand (A>T on the coding strand, the complement: BBS2 is on the minus strand). VCF-style: chr16-56502762-T-A. GRCh37 (hg19) VCF-style: chr16-56536674-T-A.
Other names: c.851A>T, p.Asn284Ile (NM_001377456.1); short protein forms N284I.
Identifiers: ClinVar variation 1297139 (VCV001297139.2), dbSNP rs377749641, ClinGen allele CA395981715.
Genomic context (GRCh38, chr16:56,502,762, plus strand): 5'-TGTATGTGGCCATCCATCCGGTAATCTCCCTCTACCACACCGGCAATTGCAGAAGAAAAA[T>A]TGTCCTTAAAGATGACCTCCCCAGTTCGGTCACTTCGAGCATCAACCTACAAATAAAACA-3'
Protein context (NP_114091.4, residues 274-294): DRTGEVIFKD[Asn284Ile]FSSAIAGVVE